The following is an entry in ClinVar:

NM_006517.5(SLC16A2):c.551G>A (p.Gly184Asp)

Gene: SLC16A2 (solute carrier family 16 member 2; plus strand). Cytogenetic location: Xq13.2.
Variant type: single nucleotide variant.
Coding change: c.551G>A on transcript NM_006517.5 (MANE Select); coding-DNA position 551, G replaced by A.
Protein change: p.Gly184Asp; replaces glycine 184 with aspartic acid.
Molecular consequence: missense variant.
Genome position (GRCh38, 1-based): chrX:74,521,110, G>A. VCF-style: chrX-74521110-G-A. GRCh37 (hg19) VCF-style: chrX-73740945-G-A.
Other names: short protein forms G184D.
Identifiers: ClinVar variation 2726701 (VCV002726701.3), dbSNP rs2519804993, ClinGen allele CA413656763.

ClinVar aggregate classification (germline): Uncertain significance (1 of 4 stars; one submission).

Conditions:
Spastic paraplegia. Identifiers: MedGen C0037772, HP:0001258.

Submission:

Labcorp Genetics (formerly Invitae), Labcorp
Classification: Uncertain significance for Spastic paraplegia. Last evaluated: 2024-02-13. Review status: criteria provided, single submitter. Criteria: Invitae Variant Classification Sherloc (09022015). Collection method: clinical testing. Allele origin: germline.
Comment: This sequence change replaces glycine, which is neutral and non-polar, with aspartic acid, which is acidic and polar, at codon 184 of the SLC16A2 protein (p.Gly184Asp). This variant is not present in population databases (gnomAD no frequency). This variant has not been reported in the literature in individuals affected with SLC16A2-related conditions. Advanced modeling of protein sequence and biophysical properties (such as structural, functional, and spatial information, amino acid conservation, physicochemical variation, residue mobility, and thermodynamic stability) performed at Invitae indicates that this missense variant is expected to disrupt SLC16A2 protein function with a positive predictive value of 80%. In summary, the available evidence is currently insufficient to determine the role of this variant in disease. Therefore, it has been classified as a Variant of Uncertain Significance.